The following is an entry in ClinVar:

ClinVar aggregate classification (germline): Uncertain significance (1 of 4 stars; one submission).

gnomAD v4.1: 2 of 1,168,410 alleles (0.00017%); highest among the groups gnomAD compares: Non-Finnish European, 0.00011%; no homozygotes.

Submission:

GeneDx
Classification: Uncertain significance. Last evaluated: 2023-07-09. Review status: criteria provided, single submitter. Criteria: GeneDx Variant Classification Process June 2021. Collection method: clinical testing. Allele origin: germline. Affected: yes.
Comment: Not observed at significant frequency in large population cohorts (gnomAD); In silico analysis supports that this missense variant has a deleterious effect on protein structure/function; Has not been previously published as pathogenic or benign to our knowledge

NM_000240.4(MAOA):c.1270C>T (p.Arg424Cys)

Gene: MAOA (monoamine oxidase A; plus strand). Cytogenetic location: Xp11.3.
Variant type: single nucleotide variant.
Coding change: c.1270C>T on transcript NM_000240.4 (MANE Select); coding-DNA position 1270, C replaced by T.
Protein change: p.Arg424Cys; replaces arginine 424 with cysteine.
Molecular consequence: missense variant.
Genome position (GRCh38, 1-based): chrX:43,743,801, C>T. VCF-style: chrX-43743801-C-T. GRCh37 (hg19) VCF-style: chrX-43603048-C-T.
Other names: c.871C>T, p.Arg291Cys (NM_001270458.2); short protein forms R291C, R424C.
Identifiers: ClinVar variation 3360271 (VCV003360271.1).